The following is an entry in ClinVar:

ClinVar aggregate classification (germline): Uncertain significance (1 of 4 stars; one submission).

Conditions:
Hereditary sensory and autonomic neuropathy type 7. Also called: HSAN VII; Neuropathy, hereditary sensory and autonomic, type VII. Identifiers: Orphanet 391397, MedGen C3809882, MONDO:0014244, OMIM 615548.
Familial episodic pain syndrome with predominantly lower limb involvement. Also called: Episodic pain syndrome, familial, 3. Identifiers: Orphanet 391384, Orphanet 391392, MedGen C3809899, MONDO:0014247, OMIM 615552.

gnomAD v4.1: 1 of 1,611,504 alleles (0.000062%); highest among the groups gnomAD compares: Non-Finnish European, 0.000085%; no homozygotes.

Submission:

Labcorp Genetics (formerly Invitae), Labcorp
Classification: Uncertain significance for Familial episodic pain syndrome with predominantly lower limb involvement; Hereditary sensory and autonomic neuropathy type 7. Last evaluated: 2024-05-08. Review status: criteria provided, single submitter. Criteria: Invitae Variant Classification Sherloc (09022015). Collection method: clinical testing. Allele origin: germline.
Comment: This sequence change replaces glycine, which is neutral and non-polar, with glutamic acid, which is acidic and polar, at codon 1244 of the SCN11A protein (p.Gly1244Glu). This variant is not present in population databases (gnomAD no frequency). This variant has not been reported in the literature in individuals affected with SCN11A-related conditions. Advanced modeling of protein sequence and biophysical properties (such as structural, functional, and spatial information, amino acid conservation, physicochemical variation, residue mobility, and thermodynamic stability) performed at Invitae indicates that this missense variant is expected to disrupt SCN11A protein function with a positive predictive value of 80%. In summary, the available evidence is currently insufficient to determine the role of this variant in disease. Therefore, it has been classified as a Variant of Uncertain Significance.

NM_001349253.2(SCN11A):c.3731G>A (p.Gly1244Glu)

Genes: SCN11A (sodium voltage-gated channel alpha subunit 11; minus strand), LOC126806652 (CDK7 strongly-dependent group 2 enhancer GRCh37_chr3:38912374-38913573; plus strand). Cytogenetic location: 3p22.2.
Variant type: single nucleotide variant.
Coding change: c.3731G>A on transcript NM_001349253.2 (MANE Select); coding-DNA position 3731, G replaced by A.
Protein change: p.Gly1244Glu; replaces glycine 1244 with glutamic acid.
Molecular consequence: missense variant.
Genome position (GRCh38, 1-based): chr3:38,871,473, C>T on the plus strand (G>A on the coding strand, the complement: SCN11A is on the minus strand). VCF-style: chr3-38871473-C-T. GRCh37 (hg19) VCF-style: chr3-38912964-C-T.
Other names: c.3731G>A, p.Gly1244Glu (NM_014139.3); short protein forms G1244E.
Identifiers: ClinVar variation 3751632 (VCV003751632.2).